The following is an entry in ClinVar:

ClinVar aggregate classification (germline): Uncertain significance (1 of 4 stars; one submission).

Conditions:
Hereditary diffuse gastric adenocarcinoma (HDGC). Also called: DIFFUSE GASTRIC AND LOBULAR BREAST CANCER SYNDROME. Identifiers: Orphanet 26106, MedGen C1708349, MONDO:0007648, OMIM 137215.

Submission:

Labcorp Genetics (formerly Invitae), Labcorp
Classification: Uncertain significance for Hereditary diffuse gastric adenocarcinoma. Last evaluated: 2021-08-31. Review status: criteria provided, single submitter. Criteria: Invitae Variant Classification Sherloc (09022015). Collection method: clinical testing. Allele origin: germline.
Comment: This sequence change replaces serine with phenylalanine at codon 111 of the CDH1 protein (p.Ser111Phe). The serine residue is highly conserved and there is a large physicochemical difference between serine and phenylalanine. This variant is not present in population databases (ExAC no frequency). This variant has not been reported in the literature in individuals affected with CDH1-related conditions. Algorithms developed to predict the effect of missense changes on protein structure and function are either unavailable or do not agree on the potential impact of this missense change (SIFT: "Deleterious"; PolyPhen-2: "Possibly Damaging"; Align-GVGD: "Class C15"). In summary, the available evidence is currently insufficient to determine the role of this variant in disease. Therefore, it has been classified as a Variant of Uncertain Significance.

NM_004360.5(CDH1):c.332C>T (p.Ser111Phe)

Gene: CDH1 (cadherin 1; plus strand). Cytogenetic location: 16q22.1.
Variant type: single nucleotide variant.
Coding change: c.332C>T on transcript NM_004360.5 (MANE Select); coding-DNA position 332, C replaced by T.
Protein change: p.Ser111Phe; replaces serine 111 with phenylalanine.
Molecular consequence: missense variant. On other transcripts: 5 prime UTR variant (2).
Genome position (GRCh38, 1-based): chr16:68,801,838, C>T. VCF-style: chr16-68801838-C-T. GRCh37 (hg19) VCF-style: chr16-68835741-C-T.
Other names: c.332C>T (LRG_301t1); c.332C>T, p.Ser111Phe (NM_001317184.2); c.-1284C>T (NM_001317185.2); c.-1488C>T (NM_001317186.2); short protein forms S111F.
Identifiers: ClinVar variation 577448 (VCV000577448.6), dbSNP rs1567501376, ClinGen allele CA396457409.